The following is an entry in ClinVar:

ClinVar aggregate classification (germline): Uncertain significance (1 of 4 stars; one submission).

Submission:

GeneDx
Classification: Uncertain significance. Last evaluated: 2022-05-24. Review status: criteria provided, single submitter. Criteria: GeneDx Variant Classification Process June 2021. Collection method: clinical testing. Allele origin: germline. Affected: yes.
Comment: Not observed at significant frequency in large population cohorts (gnomAD); In silico analysis supports that this missense variant does not alter protein structure/function; Has not been previously published as pathogenic or benign to our knowledge

NM_152424.4(AMER1):c.1043G>T (p.Gly348Val)

Gene: AMER1 (APC membrane recruitment protein 1; minus strand). Cytogenetic location: Xq11.2.
Variant type: single nucleotide variant.
Coding change: c.1043G>T on transcript NM_152424.4 (MANE Select); coding-DNA position 1043, G replaced by T.
Protein change: p.Gly348Val; replaces glycine 348 with valine.
Molecular consequence: missense variant.
Genome position (GRCh38, 1-based): chrX:64,192,244, C>A on the plus strand (G>T on the coding strand, the complement: AMER1 is on the minus strand). VCF-style: chrX-64192244-C-A. GRCh37 (hg19) VCF-style: chrX-63412124-C-A.
Other names: short protein forms G348V.
Identifiers: ClinVar variation 1800986 (VCV001800986.1), dbSNP rs2147089172, ClinGen allele CA413308617.